The following is an entry in ClinVar:

ClinVar aggregate classification (germline): Likely benign. Review status: criteria provided, single submitter (1 of 4 stars). 2 submissions from 2 submitters: Likely benign (1). 1 of the submissions does not count toward it. Last evaluated 2024-01-23.

Conditions:
KAT6A-related disorder. Also called: KAT6A-related condition.

Submissions (2):

Blueprint Genetics
Classification: Likely benign. Last evaluated: 2024-01-23. Review status: criteria provided, single submitter. Criteria: ACMG Guidelines, 2015. Collection method: clinical testing. Allele origin: germline.

PreventionGenetics, part of Exact Sciences
Classification: Likely pathogenic for KAT6A-related condition. Last evaluated: 2024-06-21. Review status: no assertion criteria provided. Collection method: clinical testing. Allele origin: germline. Not counted in ClinVar's aggregate classification.
Comment: The KAT6A c.1138G>T variant is predicted to result in premature protein termination (p.Glu380*). This variant was reported in an individual with lung adenocarcinoma and in an individual with acute myeloid leukemia (Supplementary Data 2. Lu et al. 2015. PubMed ID: 26689913). This variant is reported in 0.065% of alleles in individuals of Latino descent in gnomAD. Nonsense variants in KAT6A are expected to be pathogenic. This variant is interpreted as likely pathogenic.

NM_006766.5(KAT6A):c.1138G>T (p.Glu380Ter)

Gene: KAT6A (lysine acetyltransferase 6A; minus strand). Cytogenetic location: 8p11.21.
Variant type: single nucleotide variant.
Coding change: c.1138G>T on transcript NM_006766.5 (MANE Select); coding-DNA position 1138, G replaced by T.
Protein change: p.Glu380Ter; replaces glutamic acid 380 with a stop codon.
Molecular consequence: nonsense.
Genome position (GRCh38, 1-based): chr8:41,977,233, C>A on the plus strand (G>T on the coding strand, the complement: KAT6A is on the minus strand). VCF-style: chr8-41977233-C-A. GRCh37 (hg19) VCF-style: chr8-41834751-C-A.
Other names: c.1138G>T, p.Glu380Ter (NM_001305878.2); short protein forms E380*.
Identifiers: ClinVar variation 3355931 (VCV003355931.2).
Genomic context (GRCh38, chr8:41,977,233, plus strand): 5'-AGGAGACATTGCTATCTCTGCAGAAGTCCAAGCCATCTATCCGCTCTAAATATCCTTCTT[C>A]TGATGATGATGATGCTGATTGGCTGGAAAGAGTGATTTTTCGTTTCCTACCCCTTCCAGG-3'